The following is an entry in ClinVar:

ClinVar aggregate classification (germline): Uncertain significance (1 of 4 stars; one submission).

Conditions:
Tumor predisposition syndrome 3 (TPDS3). Also called: Melanoma, cutaneous malignant, susceptibility to, 10; LONG TELOMERE SYNDROME, POT1-RELATED; POT1 Tumor Predisposition; Glioma susceptibility 9. Identifiers: Orphanet 618, MedGen C4014476, MONDO:0014368, OMIM 615848.

Submission:

Labcorp Genetics (formerly Invitae), Labcorp
Classification: Uncertain significance for Tumor predisposition syndrome 3. Last evaluated: 2024-09-04. Review status: criteria provided, single submitter. Criteria: Invitae Variant Classification Sherloc (09022015). Collection method: clinical testing. Allele origin: germline.
Comment: This sequence change replaces serine, which is neutral and polar, with phenylalanine, which is neutral and non-polar, at codon 527 of the POT1 protein (p.Ser527Phe). This variant is not present in population databases (gnomAD no frequency). This variant has not been reported in the literature in individuals affected with POT1-related conditions. ClinVar contains an entry for this variant (Variation ID: 573304). Invitae Evidence Modeling of protein sequence and biophysical properties (such as structural, functional, and spatial information, amino acid conservation, physicochemical variation, residue mobility, and thermodynamic stability) indicates that this missense variant is not expected to disrupt POT1 protein function with a negative predictive value of 80%. Algorithms developed to predict the effect of sequence changes on RNA splicing suggest that this variant may disrupt the consensus splice site. In summary, the available evidence is currently insufficient to determine the role of this variant in disease. Therefore, it has been classified as a Variant of Uncertain Significance.

NM_015450.3(POT1):c.1580C>T (p.Ser527Phe)

Gene: POT1 (protection of telomeres 1; minus strand). Cytogenetic location: 7q31.33.
Variant type: single nucleotide variant.
Coding change: c.1580C>T on transcript NM_015450.3 (MANE Select); coding-DNA position 1580, C replaced by T.
Protein change: p.Ser527Phe; replaces serine 527 with phenylalanine.
Molecular consequence: missense variant. On other transcripts: non-coding transcript variant (2).
Genome position (GRCh38, 1-based): chr7:124,829,268, G>A on the plus strand (C>T on the coding strand, the complement: POT1 is on the minus strand). VCF-style: chr7-124829268-G-A. GRCh37 (hg19) VCF-style: chr7-124469322-G-A.
Other names: c.1187C>T, p.Ser396Phe (NM_001042594.2); short protein forms S527F, S396F.
Identifiers: ClinVar variation 573304 (VCV000573304.9), dbSNP rs1562974651, ClinGen allele CA369064346.
Genomic context (GRCh38, chr7:124,829,268, plus strand): 5'-TTGTAAACAAACAGTTAAAATTGCAGGGCATGGAAATTTAGCTAACCTTCTGCCACAGAA[G>A]AAGGAATCCACGATGTTTTATCAACCAGGGAATTTAGATTTTGTATGGATCTCAAACTAG-3'
Protein context (NP_056265.2, residues 517-537): SLVDKTSWIP[Ser527Phe]SVAEALGIVP